The following is an entry in ClinVar:

NM_032043.3(BRIP1):c.2223_2225dup (p.Tyr742Ter)

Gene: BRIP1 (BRCA1 interacting DNA helicase 1; minus strand). Cytogenetic location: 17q23.2.
Variant type: Duplication.
Coding change: c.2223_2225dup on transcript NM_032043.3 (MANE Select); coding-DNA positions 2223 to 2225, 3 bases duplicated (GTA; older notation c.2223_2225dupGTA).
Protein change: p.Tyr742Ter; replaces tyrosine 742 with a stop codon.
Molecular consequence: nonsense.
Genome position (GRCh38, 1-based): chr17:61,744,464-61,744,466, TAC duplicated on the plus strand (GTA on the coding strand, the reverse complement: BRIP1 is on the minus strand). VCF-style (leftmost placement, unchanged base first): chr17-61744463-G-GTAC. GRCh37 (hg19) VCF-style: chr17-59821824-G-GTAC.
Other names: c.2223_2225dupGTA (NM_032043.2); short protein forms Y742*.
Identifiers: ClinVar variation 530323 (VCV000530323.15), dbSNP rs1310861578, ClinGen allele CA626801760.
Genomic context (GRCh38, chr17:61,744,463, plus strand): 5'-TCACCGACCATGAAATAATTTCCAGTTACCTTTCTCTCCTTTGTATTTGATTGCGTCATA[G>GTAC]TACACCTGCAGTAATTCATCAAAATTTGTTTTTTCTCCTCCCTGTGGTTCTACAATGACT-3'

ClinVar aggregate classification (germline): Pathogenic. Review status: criteria provided, multiple submitters, no conflicts (2 of 4 stars). 4 submissions from 4 submitters: Pathogenic (4). Last evaluated 2025-11-17.

Conditions:
Fanconi anemia complementation group J. Also called: BRIP1-Related Fanconi Anemia. Identifiers: Orphanet 84, MedGen C1836860, MONDO:0012187, OMIM 609054.
Familial cancer of breast. Also called: BREAST CANCER, FAMILIAL; hereditary breast carcinoma; Hereditary breast cancer. Identifiers: Orphanet 227535, MedGen C0346153, MONDO:0016419, OMIM 114480. Disease mechanism: loss of function.
Familial ovarian cancer. Identifiers: MedGen C5679802, MONDO:0016248.
Hereditary cancer-predisposing syndrome. Also called: Neoplastic Syndromes, Hereditary; Hereditary neoplastic syndrome; Tumor predisposition; Hereditary Cancer Syndrome. Identifiers: Orphanet 140162, MedGen C0027672, MeSH D009386, MONDO:0015356.

Allele frequency attached by ClinVar (database versions not stated): gnomAD exomes below 0.00001.

Submissions (4):

Labcorp Genetics (formerly Invitae), Labcorp
Classification: Pathogenic for Familial cancer of breast; Fanconi anemia complementation group J. Last evaluated: 2025-11-17. Review status: criteria provided, single submitter. Criteria: Invitae Variant Classification Sherloc (09022015). Collection method: clinical testing. Allele origin: germline.
Comment: This sequence change creates a premature translational stop signal (p.Tyr742*) in the BRIP1 gene. It is expected to result in an absent or disrupted protein product. Loss-of-function variants in BRIP1 are known to be pathogenic (PMID: 16116423, 17033622, 21964575). This variant is present in population databases (no rsID available, gnomAD 0.0009%). This variant has not been reported in the literature in individuals affected with BRIP1-related conditions. ClinVar contains an entry for this variant (Variation ID: 530323). For these reasons, this variant has been classified as Pathogenic.

Molecular Pathology, Peter Maccallum Cancer Centre
Classification: Pathogenic for Familial ovarian cancer. Last evaluated: 2024-06-06. Review status: criteria provided, single submitter. Criteria: ACMG Guidelines, 2015. Collection method: clinical testing. Allele origin: germline. Inheritance: Autosomal dominant inheritance.

Myriad Genetics, Inc.
Classification: Pathogenic for Familial cancer of breast. Last evaluated: 2023-06-06. Review status: criteria provided, single submitter. Criteria: Myriad Autosomal Dominant, Autosomal Recessive and X-Linked Classification Criteria (2023). Collection method: clinical testing. Allele origin: unknown.
Comment: This variant is considered pathogenic. This variant creates a termination codon and is predicted to result in premature protein truncation.

Ambry Genetics
Classification: Pathogenic for Hereditary cancer-predisposing syndrome. Last evaluated: 2022-06-07. Review status: criteria provided, single submitter. Criteria: Ambry Variant Classification Scheme 2023. Collection method: clinical testing. Allele origin: germline.
Comment: The c.2223_2225dupGTA pathogenic mutation (also known as p.V741_Y742ins*), located in coding exon 14 of the BRIP1 gene, results from an in-frame duplication of GTA at nucleotide positions 2223 to 2225. This results in insertion of a stop signal within coding exon 14. This variant was reported in 1/60,466 breast cancer cases and in 0/53,461 controls (Dorling et al. N Engl J Med. 2021 02;384:428-439). This alteration is expected to result in loss of function by premature protein truncation or nonsense-mediated mRNA decay. As such, this alteration is interpreted as a disease-causing mutation.

Literature cited by the submitters: PubMed 16116423 (cited by Labcorp Genetics (formerly Invitae), Labcorp); PubMed 17033622 (cited by Labcorp Genetics (formerly Invitae), Labcorp); PubMed 21964575 (cited by Labcorp Genetics (formerly Invitae), Labcorp); PubMed 33471991 (cited by Ambry Genetics).